The following is an entry in ClinVar:

NM_001378454.1(ALMS1):c.11113A>C (p.Arg3705=)

Gene: ALMS1 (ALMS1 centrosome and basal body associated protein; plus strand). Cytogenetic location: 2p13.1.
Variant type: single nucleotide variant.
Coding change: c.11113A>C on transcript NM_001378454.1 (MANE Select); coding-DNA position 11113, A replaced by C.
Protein change: p.Arg3705=; no amino-acid change (arginine 3705 retained).
Molecular consequence: synonymous variant.
Genome position (GRCh38, 1-based): chr2:73,572,990, A>C. VCF-style: chr2-73572990-A-C. GRCh37 (hg19) VCF-style: chr2-73800117-A-C.
Other names: c.11116A>C, p.Arg3706= (NM_015120.4).
Identifiers: ClinVar variation 2632065 (VCV002632065.1), dbSNP rs2466446001, ClinGen allele CA427024670.

ClinVar aggregate classification (germline): Uncertain significance (1 of 4 stars; one submission).

Conditions:
ALMS1-related disorder. Also called: ALMS1-related condition.

Submission:

PreventionGenetics, part of Exact Sciences
Classification: Uncertain significance for ALMS1-related condition. Last evaluated: 2022-09-21. Review status: criteria provided, single submitter. Criteria: ACMG Guidelines, 2015. Collection method: clinical testing. Allele origin: germline.
Comment: The ALMS1 c.11116A>C variant is predicted to result in the amino acid substitution p.Asn3706His. To our knowledge, this variant has not been reported in the literature. This variant is reported in 0.00089% of alleles in individuals of European (Non-Finnish) descent in gnomAD. At this time, the clinical significance of this variant is uncertain due to the absence of conclusive functional and genetic evidence.